The following is an entry in ClinVar:

NM_020778.4:c.100delT

Gene: ALPK3 (alpha kinase 3; plus strand).
Variant type: Deletion.
Identifiers: ClinVar variation 4089069 (VCV004089069.1).

ClinVar aggregate classification (germline): Uncertain significance (1 of 4 stars; one submission).

Conditions:
Cardiovascular phenotype. Identifiers: MedGen CN230736.

Submission:

Ambry Genetics
Classification: Uncertain significance for Cardiovascular phenotype. Last evaluated: 2025-08-13. Review status: criteria provided, single submitter. Criteria: Ambry Variant Classification Scheme 2023. Collection method: clinical testing. Allele origin: germline.
Comment: The c.100delT variant, located in coding exon 1 of the ALPK3 gene, results from a deletion of one nucleotide at nucleotide position 100, causing a translational frameshift with a predicted alternate stop codon (p.W34Gfs*120). This variant is expected to result in loss of function by premature protein truncation or nonsense-mediated mRNA decay. However, based on data from gnomAD, several loss of function alterations in the first exon of ALPK3 (p.C64* and p.E148Qfs*8) are too frequent to cause disease given the incidence of pediatric cardiomyopathy. The abundance of nonsense and frameshift alleles in the first exon in population databases brings into question the pathogenicity of loss of function alterations in N-terminus of ALPK3 and suggests the possibility of an alternative start site. Since supporting evidence is limited at this time, the clinical significance of this alteration remains unclear.